The following is an entry in ClinVar:

NM_000036.3(AMPD1):c.617A>G (p.Tyr206Cys)

Gene: AMPD1 (adenosine monophosphate deaminase 1; minus strand). Cytogenetic location: 1p13.2.
Variant type: single nucleotide variant.
Coding change: c.617A>G on transcript NM_000036.3 (MANE Select); coding-DNA position 617, A replaced by G.
Protein change: p.Tyr206Cys; replaces tyrosine 206 with cysteine.
Molecular consequence: missense variant.
Genome position (GRCh38, 1-based): chr1:114,680,409, T>C on the plus strand (A>G on the coding strand, the complement: AMPD1 is on the minus strand). VCF-style: chr1-114680409-T-C. GRCh37 (hg19) VCF-style: chr1-115223030-T-C.
Other names: c.605A>G, p.Tyr202Cys (NM_001172626.2); c.716A>G (NM_000036.2); short protein forms Y202C, Y206C.
Identifiers: ClinVar variation 593406 (VCV000593406.8), dbSNP rs376201207, ClinGen allele CA1020360.

ClinVar aggregate classification (germline): Uncertain significance. Review status: criteria provided, multiple submitters, no conflicts (2 of 4 stars). 3 submissions from 3 submitters: Uncertain significance (3). Last evaluated 2023-10-02.

Conditions:
Muscle AMP deaminase deficiency (MMDD). Also called: Adenosine monophosphate deaminase 1 deficiency; AMP deaminase 1 deficiency; Adenosine Monophosphate Deaminase 1; AMPD1 DEFICIENCY; ADENOSINE MONOPHOSPHATE DEAMINASE-1 DEFICIENCY, MYOPATHY DUE TO; Myoadenylate deaminase deficiency, myopathy due to. Identifiers: Orphanet 45, MedGen C3714933, MONDO:0014220, OMIM 615511.
Inborn genetic diseases. Identifiers: MedGen C0950123, MeSH D030342.

Allele frequency attached by ClinVar (database versions not stated): gnomAD exomes below 0.00001 and 0.00002; ExAC 0.00002; gnomAD 0.00003 and 0.00004; TOPMed 0.00006; ESP Exome Variant Server 0.00015.
gnomAD v4.1: 11 of 1,614,076 alleles (0.00068%); highest among the groups gnomAD compares: African/African-American, 0.011%; no homozygotes.

Submissions (3):

Ambry Genetics
Classification: Uncertain significance for Inborn genetic diseases. Last evaluated: 2023-10-02. Review status: criteria provided, single submitter. Criteria: Ambry Variant Classification Scheme 2023. Collection method: clinical testing. Allele origin: germline.

Labcorp Genetics (formerly Invitae), Labcorp
Classification: Uncertain significance for Muscle AMP deaminase deficiency. Last evaluated: 2022-06-04. Review status: criteria provided, single submitter. Criteria: Invitae Variant Classification Sherloc (09022015). Collection method: clinical testing. Allele origin: germline.
Comment: This sequence change replaces tyrosine, which is neutral and polar, with cysteine, which is neutral and slightly polar, at codon 239 of the AMPD1 protein (p.Tyr239Cys). This variant is present in population databases (rs376201207, gnomAD 0.02%). This variant has not been reported in the literature in individuals affected with AMPD1-related conditions. ClinVar contains an entry for this variant (Variation ID: 593406). Algorithms developed to predict the effect of missense changes on protein structure and function (SIFT, PolyPhen-2, Align-GVGD) all suggest that this variant is likely to be disruptive. In summary, the available evidence is currently insufficient to determine the role of this variant in disease. Therefore, it has been classified as a Variant of Uncertain Significance.

Eurofins Ntd Llc (ga)
Classification: Uncertain significance. Last evaluated: 2017-08-08. Review status: criteria provided, single submitter. Criteria: EGL Classification Definitions 2015. Collection method: clinical testing. Allele origin: germline. Observed: 1 variant allele, 1 heterozygote.